The following is an entry in ClinVar:

ClinVar aggregate classification (germline): Pathogenic (1 of 4 stars; one submission).

Allele frequency attached by ClinVar (database versions not stated): gnomAD exomes below 0.00001.
gnomAD v4.1: 1 of 1,607,306 alleles (0.000062%); highest among the groups gnomAD compares: Non-Finnish European, 0.000085%; no homozygotes.

Submission:

Labcorp Genetics (formerly Invitae), Labcorp
Classification: Pathogenic. Last evaluated: 2023-01-18. Review status: criteria provided, single submitter. Criteria: Invitae Variant Classification Sherloc (09022015). Collection method: clinical testing. Allele origin: germline.
Comment: For these reasons, this variant has been classified as Pathogenic. This variant has not been reported in the literature in individuals affected with CCDC88A-related conditions. This variant is present in population databases (no rsID available, gnomAD 0.0009%). This sequence change creates a premature translational stop signal (p.Arg309*) in the CCDC88A gene. It is expected to result in an absent or disrupted protein product. Loss-of-function variants in CCDC88A are known to be pathogenic (PMID: 26917597, 30392057).

Literature cited by the submitters: PubMed 26917597; PubMed 30392057.

NM_001365480.1(CCDC88A):c.925C>T (p.Arg309Ter)

Gene: CCDC88A (coiled-coil and HOOK domain protein 88A; minus strand). Cytogenetic location: 2p16.1.
Variant type: single nucleotide variant.
Coding change: c.925C>T on transcript NM_001365480.1 (MANE Select); coding-DNA position 925, C replaced by T.
Protein change: p.Arg309Ter; replaces arginine 309 with a stop codon.
Molecular consequence: nonsense.
Genome position (GRCh38, 1-based): chr2:55,346,291, G>A on the plus strand (C>T on the coding strand, the complement: CCDC88A is on the minus strand). VCF-style: chr2-55346291-G-A. GRCh37 (hg19) VCF-style: chr2-55573427-G-A.
Other names: c.925C>T, p.Arg309Ter (NM_001135597.2, NM_001254943.2, NM_018084.5); short protein forms R309*.
Identifiers: ClinVar variation 2818087 (VCV002818087.3), dbSNP rs1172386145, ClinGen allele CA346907196.